The following is an entry in ClinVar:

ClinVar aggregate classification (germline): Pathogenic (1 of 4 stars; one submission).

Conditions:
Hereditary cancer-predisposing syndrome. Also called: Hereditary neoplastic syndrome; Neoplastic Syndromes, Hereditary; Tumor predisposition; Hereditary Cancer Syndrome. Identifiers: Orphanet 140162, MedGen C0027672, MeSH D009386, MONDO:0015356.

Submission:

Ambry Genetics
Classification: Pathogenic for Hereditary cancer-predisposing syndrome. Last evaluated: 2020-06-17. Review status: criteria provided, single submitter. Criteria: Ambry Variant Classification Scheme 2023. Collection method: clinical testing. Allele origin: germline.
Comment: The c.7002delC pathogenic mutation, located in coding exon 47 of the ATM gene, results from a deletion of one nucleotide at nucleotide position 7002, causing a translational frameshift with a predicted alternate stop codon (p.Y2334*). This alteration is expected to result in loss of function by premature protein truncation or nonsense-mediated mRNA decay. As such, this alteration is interpreted as a disease-causing mutation.

NM_000051.4(ATM):c.7002del (p.Thr2333_Tyr2334insTer)

Genes: ATM (ATM serine/threonine kinase; plus strand), C11orf65 (chromosome 11 open reading frame 65; minus strand). Cytogenetic location: 11q22.3.
Variant type: Deletion.
Coding change: c.7002del on transcript NM_000051.4 (MANE Select); coding-DNA position 7002, one base deleted (C; older notation c.7002delC).
Protein change: p.Thr2333_Tyr2334insTer.
Molecular consequence: nonsense. On other transcripts: intron variant (2).
Genome position (GRCh38, 1-based): chr11:108,327,671, C deleted. VCF-style (leftmost placement, unchanged base first): chr11-108327670-AC-A. GRCh37 (hg19) VCF-style: chr11-108198397-AC-A.
Other names: c.7002del, p.Thr2333_Tyr2334insTer (NM_001351834.2); c.641-18600del (NM_001330368.2); c.*38+7549del (NM_001351110.2).
Identifiers: ClinVar variation 1756646 (VCV001756646.2), dbSNP rs2547232033, ClinGen allele CA2580083172.